The following is an entry in ClinVar:

NM_024675.4(PALB2):c.2586+6A>T

Gene: PALB2 (partner and localizer of BRCA2; minus strand). Cytogenetic location: 16p12.2.
Variant type: single nucleotide variant.
Coding change: c.2586+6A>T on transcript NM_024675.4 (MANE Select); 6 bases into the intron after coding-DNA position 2586, A replaced by T.
Molecular consequence: intron variant.
Genome position (GRCh38, 1-based): chr16:23,629,198, T>A on the plus strand (A>T on the coding strand, the complement: PALB2 is on the minus strand). VCF-style: chr16-23629198-T-A. GRCh37 (hg19) VCF-style: chr16-23640519-T-A.
Identifiers: ClinVar variation 1503886 (VCV001503886.7), dbSNP rs1966853543, ClinGen allele CA2573152198.
Genomic context (GRCh38, chr16:23,629,198, plus strand): 5'-TCTTTTCAGTTCATTAAAGTTTTCATATGTAAGACACGAGACACTGGAAGAGAATATTCT[T>A]CTGACCTTTAACTCTGAAACCAATTGTAGGTTGCCTGGGTTTATGCTATCAGAAGCAGGA-3'

ClinVar aggregate classification (germline): Uncertain significance (1 of 4 stars; one submission).

Conditions:
Familial cancer of breast. Also called: hereditary breast carcinoma; Hereditary breast cancer; BREAST CANCER, FAMILIAL. Identifiers: Orphanet 227535, MedGen C0346153, MONDO:0016419, OMIM 114480. Disease mechanism: loss of function.

Submission:

Labcorp Genetics (formerly Invitae), Labcorp
Classification: Uncertain significance for Familial cancer of breast. Last evaluated: 2020-11-12. Review status: criteria provided, single submitter. Criteria: Invitae Variant Classification Sherloc (09022015). Collection method: clinical testing. Allele origin: germline.
Comment: This sequence change falls in intron 6 of the PALB2 gene. It does not directly change the encoded amino acid sequence of the PALB2 protein. It affects a nucleotide within the consensus splice site of the intron. This variant is not present in population databases (ExAC no frequency). This variant has not been reported in the literature in individuals with PALB2-related conditions. Nucleotide substitutions within the consensus splice site are a relatively common cause of aberrant splicing (PMID: 17576681, 9536098). Algorithms developed to predict the effect of sequence changes on RNA splicing suggest that this variant is not likely to affect RNA splicing, but this prediction has not been confirmed by published transcriptional studies. In summary, the available evidence is currently insufficient to determine the role of this variant in disease. Therefore, it has been classified as a Variant of Uncertain Significance.

Literature cited by the submitters: PubMed 17576681; PubMed 9536098.